The following is an entry in ClinVar:

ClinVar aggregate classification (germline): Conflicting classifications of pathogenicity. Review status: criteria provided, conflicting classifications (1 of 4 stars). 3 submissions from 3 submitters: Uncertain significance (2); Likely benign (1). Last evaluated 2023-06-21.

Conditions:
Coffin-Siris syndrome 1 (CSS1). Also called: Mental retardation, autosomal dominant 12; ARID1B-Related Coffin-Siris Syndrome. Identifiers: Orphanet 1465, MedGen C3281201, MONDO:0007617, OMIM 135900. Disease mechanism: gain of function.
Inborn genetic diseases. Identifiers: MedGen C0950123, MeSH D030342.

Allele frequency attached by ClinVar (database versions not stated): gnomAD 0.00001; gnomAD exomes 0.00002; TOPMed 0.00003.
gnomAD v4.1: 13 of 1,614,076 alleles (0.00081%); highest among the groups gnomAD compares: Admixed American, 0.012%; no homozygotes.

Submissions (3):

Labcorp Genetics (formerly Invitae), Labcorp
Classification: Uncertain significance. Last evaluated: 2023-06-21. Review status: criteria provided, single submitter. Criteria: Invitae Variant Classification Sherloc (09022015). Collection method: clinical testing. Allele origin: germline.
Comment: This sequence change replaces methionine, which is neutral and non-polar, with isoleucine, which is neutral and non-polar, at codon 531 of the ARID1B protein (p.Met531Ile). This variant is present in population databases (no rsID available, gnomAD 0.01%). This variant has not been reported in the literature in individuals affected with ARID1B-related conditions. ClinVar contains an entry for this variant (Variation ID: 1775973). In summary, the available evidence is currently insufficient to determine the role of this variant in disease. Therefore, it has been classified as a Variant of Uncertain Significance. Advanced modeling of protein sequence and biophysical properties (such as structural, functional, and spatial information, amino acid conservation, physicochemical variation, residue mobility, and thermodynamic stability) has been performed at Invitae for this missense variant, however the output from this modeling did not meet the statistical confidence thresholds required to predict the impact of this variant on ARID1B protein function.

Revvity Omics, Revvity
Classification: Uncertain significance for Coffin-Siris syndrome 1. Last evaluated: 2021-05-20. Review status: criteria provided, single submitter. Criteria: ACMG Guidelines, 2015. Collection method: clinical testing. Allele origin: germline.

Ambry Genetics
Classification: Likely benign for Inborn genetic diseases. Last evaluated: 2019-03-29. Review status: criteria provided, single submitter. Criteria: Ambry Variant Classification Scheme 2023. Collection method: clinical testing. Allele origin: germline.

NM_001374828.1(ARID1B):c.1842G>A (p.Met614Ile)

Gene: ARID1B (AT-rich interaction domain 1B; plus strand). Cytogenetic location: 6q25.3.
Variant type: single nucleotide variant.
Coding change: c.1842G>A on transcript NM_001374828.1 (MANE Select); coding-DNA position 1842, G replaced by A.
Protein change: p.Met614Ile; replaces methionine 614 with isoleucine.
Molecular consequence: missense variant.
Genome position (GRCh38, 1-based): chr6:156,829,277, G>A. VCF-style: chr6-156829277-G-A. GRCh37 (hg19) VCF-style: chr6-157150411-G-A.
Other names: c.1593G>A, p.Met531Ile (NM_001346813.1, NM_020732.3); c.1842G>A, p.Met614Ile (NM_001371656.1, NM_001374820.1, NM_017519.3); c.1419G>A, p.Met473Ile (NM_175863.2); short protein forms M614I, M531I, M473I.
Identifiers: ClinVar variation 1775973 (VCV001775973.7), dbSNP rs1048427417, ClinGen allele CA150808636.